The following is an entry in ClinVar:

ClinVar aggregate classification (germline): Uncertain significance (1 of 4 stars; one submission).

Conditions:
Cardiovascular phenotype. Identifiers: MedGen CN230736.

gnomAD v4.1: 1 of 1,614,108 alleles (0.000062%); highest among the groups gnomAD compares: Admixed American, 0.0017%; no homozygotes.

Submission:

Ambry Genetics
Classification: Uncertain significance for Cardiovascular phenotype. Last evaluated: 2020-12-21. Review status: criteria provided, single submitter. Criteria: Ambry Variant Classification Scheme 2023. Collection method: clinical testing. Allele origin: germline.
Comment: The p.L851P variant (also known as c.2552T>C), located in coding exon 18 of the DSP gene, results from a T to C substitution at nucleotide position 2552. The leucine at codon 851 is replaced by proline, an amino acid with similar properties. This amino acid position is not well conserved in available vertebrate species, and proline is the reference amino acid in other vertebrate species. In addition, the in silico prediction for this alteration is inconclusive. Since supporting evidence is limited at this time, the clinical significance of this alteration remains unclear.

NM_004415.4(DSP):c.2552T>C (p.Leu851Pro)

Gene: DSP (desmoplakin; plus strand). Cytogenetic location: 6p24.3.
Variant type: single nucleotide variant.
Coding change: c.2552T>C on transcript NM_004415.4 (MANE Select); coding-DNA position 2552, T replaced by C.
Protein change: p.Leu851Pro; replaces leucine 851 with proline.
Molecular consequence: missense variant.
Genome position (GRCh38, 1-based): chr6:7,575,410, T>C. VCF-style: chr6-7575410-T-C. GRCh37 (hg19) VCF-style: chr6-7575643-T-C.
Other names: c.2552T>C, p.Leu851Pro (NM_001008844.3, NM_001319034.2); short protein forms L851P.
Identifiers: ClinVar variation 1792970 (VCV001792970.2), dbSNP rs111368396, ClinGen allele CA133963343.